The following is an entry in ClinVar:

ClinVar aggregate classification (germline): Uncertain significance (1 of 4 stars; one submission).

Submission:

Ambry Genetics
Classification: Uncertain significance. Last evaluated: 2025-08-09. Review status: criteria provided, single submitter. Criteria: Ambry Variant Classification Scheme 2023. Collection method: clinical testing. Allele origin: germline.
Comment: The p.P568Q variant (also known as c.1703C>A), located in coding exon 18 of the SRP72 gene, results from a C to A substitution at nucleotide position 1703. The proline at codon 568 is replaced by glutamine, an amino acid with similar properties. This amino acid position is conserved. In addition, this alteration is predicted to be deleterious by in silico analysis. Based on the available evidence, the clinical significance of this variant remains unclear.

NM_006947.4(SRP72):c.1703C>A (p.Pro568Gln)

Gene: SRP72 (signal recognition particle 72; plus strand). Cytogenetic location: 4q12.
Variant type: single nucleotide variant.
Coding change: c.1703C>A on transcript NM_006947.4 (MANE Select); coding-DNA position 1703, C replaced by A.
Protein change: p.Pro568Gln; replaces proline 568 with glutamine.
Molecular consequence: missense variant. On other transcripts: non-coding transcript variant (1).
Genome position (GRCh38, 1-based): chr4:56,500,560, C>A. VCF-style: chr4-56500560-C-A. GRCh37 (hg19) VCF-style: chr4-57366726-C-A.
Other names: c.1520C>A, p.Pro507Gln (NM_001267722.2); short protein forms P507Q, P568Q.
Identifiers: ClinVar variation 4174963 (VCV004174963.1).